The following is an entry in ClinVar:

NM_001365276.2(TNXB):c.9389G>T (p.Gly3130Val)

Gene: TNXB (tenascin XB; minus strand). Cytogenetic location: 6p21.33.
Variant type: single nucleotide variant.
Coding change: c.9389G>T on transcript NM_001365276.2 (MANE Select); coding-DNA position 9389, G replaced by T.
Protein change: p.Gly3130Val; replaces glycine 3130 with valine.
Molecular consequence: missense variant.
Genome position (GRCh38, 1-based): chr6:32,050,048, C>A on the plus strand (G>T on the coding strand, the complement: TNXB is on the minus strand). VCF-style: chr6-32050048-C-A. GRCh37 (hg19) VCF-style: chr6-32017825-C-A.
Other names: c.9383G>T, p.Gly3128Val (NM_019105.8); short protein forms G3128V, G3130V.
Identifiers: ClinVar variation 2451201 (VCV002451201.4), dbSNP rs752632085, ClinGen allele CA3733551.
Genomic context (GRCh38, chr6:32,050,048, plus strand): 5'-ATTCACTCACCCGTCACCCCAATGGCAGACACAGGGCCTACGCGCTGGCCACCGTGGAAG[C>A]CGTACAGGTTCATCTTGTATTTATGGTCTGGCTCCAGGCCTGAGATGGTGACCCCGTCCT-3'
Protein context (NP_001352205.1, residues 3120-3140): PDHKYKMNLY[Gly3130Val]FHGGQRVGPV

ClinVar aggregate classification (germline): Uncertain significance. Review status: criteria provided, multiple submitters, no conflicts (2 of 4 stars). 2 submissions from 2 submitters: Uncertain significance (2). Last evaluated 2025-11-05.

Conditions:
Cardiovascular phenotype. Identifiers: MedGen CN230736.

Allele frequency attached by ClinVar (database versions not stated): gnomAD exomes below 0.00001; ExAC 0.00001.
gnomAD v4.1: 4 of 1,613,812 alleles (0.00025%); highest among the groups gnomAD compares: Non-Finnish European, 0.00034%; no homozygotes.

Submissions (2):

Women's Health and Genetics/Laboratory Corporation of America, LabCorp
Classification: Uncertain significance. Last evaluated: 2025-11-05. Review status: criteria provided, single submitter. Criteria: LabCorp Variant Classification Summary - May 2015. Collection method: clinical testing. Allele origin: germline.
Comment: Variant summary: TNXB c.9383G>T (p.Gly3128Val) results in a non-conservative amino acid change in the encoded protein sequence. Algorithms developed to predict the effect of missense changes on protein structure and function are either unavailable or do not agree on the potential impact of this missense change. The variant allele was found at a frequency of 8.1e-06 in 246446 control chromosomes. The available data on variant occurrences in the general population are insufficient to allow any conclusion about variant significance. To our knowledge, no occurrence of c.9383G>T in individuals affected with TNXB-related conditions and no experimental evidence demonstrating its impact on protein function have been reported. ClinVar contains an entry for this variant (Variation ID: 2451201). Based on the evidence outlined above, the variant was classified as uncertain significance.

Ambry Genetics
Classification: Uncertain significance for Cardiovascular phenotype. Last evaluated: 2025-08-09. Review status: criteria provided, single submitter. Criteria: Ambry Variant Classification Scheme 2023. Collection method: clinical testing. Allele origin: germline.